The following is an entry in ClinVar:

ClinVar aggregate classification (germline): Pathogenic. Review status: criteria provided, multiple submitters, no conflicts (2 of 4 stars). 4 submissions from 4 submitters: Pathogenic (4). Last evaluated 2026-04-01.

Conditions:
Cardiovascular phenotype. Identifiers: MedGen CN230736.
Hereditary cancer-predisposing syndrome. Also called: Hereditary Cancer Syndrome; Neoplastic Syndromes, Hereditary; Tumor predisposition; Hereditary neoplastic syndrome. Identifiers: Orphanet 140162, MedGen C0027672, MeSH D009386, MONDO:0015356.
Neurofibromatosis, type 1 (NF1). Also called: Peripheral type neurofibromatosis; VON RECKLINGHAUSEN DISEASE; Neurofibromatosis, type I; NEUROFIBROMATOSIS, TYPE I, SOMATIC. Identifiers: Orphanet 636, MedGen C0027831, MONDO:0018975, OMIM 162200. Disease mechanism: loss of function.

Submissions (4):

Ambry Genetics
Classification: Pathogenic for Cardiovascular phenotype; Hereditary cancer-predisposing syndrome. Last evaluated: 2026-04-01. Review status: criteria provided, single submitter. Criteria: Ambry Variant Classification Scheme 2023. Collection method: clinical testing. Allele origin: germline.
Comment: The p.L1569* pathogenic mutation (also known as c.4706T>A), located in coding exon 35 of the NF1 gene, results from a T to A substitution at nucleotide position 4706. This changes the amino acid from a leucine to a stop codon within coding exon 35. This variant was reported in individual(s) with features consistent with neurofibromatosis type 1 (Ambry internal data). This variant is considered to be rare based on population cohorts in the Genome Aggregation Database (gnomAD). This alteration is expected to result in loss of function by premature protein truncation or nonsense-mediated mRNA decay. As such, this alteration is interpreted as a disease-causing mutation.

Labcorp Genetics (formerly Invitae), Labcorp
Classification: Pathogenic for Neurofibromatosis, type 1. Last evaluated: 2022-07-31. Review status: criteria provided, single submitter. Criteria: Invitae Variant Classification Sherloc (09022015). Collection method: clinical testing. Allele origin: germline.
Comment: For these reasons, this variant has been classified as Pathogenic. ClinVar contains an entry for this variant (Variation ID: 934165). This variant is also known as p.Leu1590*. This premature translational stop signal has been observed in individual(s) with neurofibromatosis, type 1 (PMID: 9298829, 25325900). This variant is not present in population databases (gnomAD no frequency). This sequence change creates a premature translational stop signal (p.Leu1569*) in the NF1 gene. It is expected to result in an absent or disrupted protein product. Loss-of-function variants in NF1 are known to be pathogenic (PMID: 10712197, 23913538).

Mendelics
Classification: Pathogenic for Neurofibromatosis, type 1. Last evaluated: 2022-05-04. Review status: criteria provided, single submitter. Criteria: Mendelics Assertion Criteria 2019. Collection method: clinical testing. Allele origin: germline.

Genome-Nilou Lab
Classification: Pathogenic for Neurofibromatosis, type 1. Last evaluated: 2022-03-15. Review status: criteria provided, single submitter. Criteria: ACMG Guidelines, 2015. Collection method: clinical testing. Allele origin: germline. Affected: no.

Literature cited by the submitters: PubMed 9298829 (cited by Ambry Genetics and Labcorp Genetics (formerly Invitae), Labcorp); PubMed 25325900 (cited by Labcorp Genetics (formerly Invitae), Labcorp); PubMed 10712197 (cited by Labcorp Genetics (formerly Invitae), Labcorp); PubMed 23913538 (cited by Labcorp Genetics (formerly Invitae), Labcorp).

NM_001042492.3(NF1):c.4769T>A (p.Leu1590Ter)

Gene: NF1 (neurofibromin 1; plus strand). Cytogenetic location: 17q11.2.
Variant type: single nucleotide variant.
Coding change: c.4769T>A on transcript NM_001042492.3 (MANE Select); coding-DNA position 4769, T replaced by A.
Protein change: p.Leu1590Ter; replaces leucine 1590 with a stop codon.
Molecular consequence: nonsense.
Genome position (GRCh38, 1-based): chr17:31,265,273, T>A. VCF-style: chr17-31265273-T-A. GRCh37 (hg19) VCF-style: chr17-29592291-T-A.
Other names: c.4706T>A, p.Leu1569Ter (NM_000267.4); short protein forms L1590*, L1569*.
Identifiers: ClinVar variation 934165 (VCV000934165.9), dbSNP rs2067765689, ClinGen allele CA399001247.